The following is an entry in ClinVar:

NM_014806.5(RUSC2):c.2615G>A (p.Arg872Gln)

Gene: RUSC2 (RUN and SH3 domain containing 2; plus strand). Cytogenetic location: 9p13.3.
Variant type: single nucleotide variant.
Coding change: c.2615G>A on transcript NM_014806.5 (MANE Select); coding-DNA position 2615, G replaced by A.
Protein change: p.Arg872Gln; replaces arginine 872 with glutamine.
Molecular consequence: missense variant. On other transcripts: 5 prime UTR variant (1), non-coding transcript variant (1).
Genome position (GRCh38, 1-based): chr9:35,555,660, G>A. VCF-style: chr9-35555660-G-A. GRCh37 (hg19) VCF-style: chr9-35555657-G-A.
Other names: c.2615G>A, p.Arg872Gln (NM_001135999.2); c.-20G>A (NM_001330740.2); short protein forms R872Q.
Identifiers: ClinVar variation 1524405 (VCV001524405.3), dbSNP rs140042742, ClinGen allele CA5043907.

ClinVar aggregate classification (germline): Uncertain significance (1 of 4 stars; one submission).

Allele frequency attached by ClinVar (database versions not stated): 1000 Genomes Project 30x 0.00016; 1000 Genomes Project 0.00020; gnomAD exomes 0.00027 and 0.00047; ExAC 0.00035; TOPMed 0.00037; gnomAD 0.00040 and 0.00043; ESP Exome Variant Server 0.00054.
gnomAD v4.1: 769 of 1,605,184 alleles (0.048%); highest among the groups gnomAD compares: Non-Finnish European, 0.058%; 1 homozygote.

Submission:

Labcorp Genetics (formerly Invitae), Labcorp
Classification: Uncertain significance. Last evaluated: 2022-10-25. Review status: criteria provided, single submitter. Criteria: Invitae Variant Classification Sherloc (09022015). Collection method: clinical testing. Allele origin: germline.
Comment: This sequence change replaces arginine, which is basic and polar, with glutamine, which is neutral and polar, at codon 872 of the RUSC2 protein (p.Arg872Gln). This variant is present in population databases (rs140042742, gnomAD 0.06%). This variant has not been reported in the literature in individuals affected with RUSC2-related conditions. ClinVar contains an entry for this variant (Variation ID: 1524405). Algorithms developed to predict the effect of missense changes on protein structure and function are either unavailable or do not agree on the potential impact of this missense change (SIFT: "Tolerated"; PolyPhen-2: "Probably Damaging"; Align-GVGD: "Class C0"). In summary, the available evidence is currently insufficient to determine the role of this variant in disease. Therefore, it has been classified as a Variant of Uncertain Significance.